The following is an entry in ClinVar:

NM_005631.5(SMO):c.536C>T (p.Thr179Met)

Gene: SMO (smoothened, frizzled class receptor; plus strand). Cytogenetic location: 7q32.1.
Variant type: single nucleotide variant.
Coding change: c.536C>T on transcript NM_005631.5 (MANE Select); coding-DNA position 536, C replaced by T.
Protein change: p.Thr179Met; replaces threonine 179 with methionine.
Molecular consequence: missense variant.
Genome position (GRCh38, 1-based): chr7:129,203,588, C>T. VCF-style: chr7-129203588-C-T. GRCh37 (hg19) VCF-style: chr7-128843429-C-T.
Other names: short protein forms T179M.
Identifiers: ClinVar variation 813687 (VCV000813687.3), dbSNP rs115491500, ClinGen allele CA4479110.

ClinVar aggregate classification (germline): Uncertain significance. Review status: criteria provided, single submitter (1 of 4 stars). 3 submissions from 3 submitters: Uncertain significance (1). 2 of the submissions do not count toward it.

Conditions:
SMO-related disorder. Also called: SMO-related condition.
Microcephaly. Also called: Microcephaly (disease). Identifiers: MedGen C4551563, MONDO:0001149, HP:0000252.

Allele frequency attached by ClinVar (database versions not stated): gnomAD exomes 0.00021 and 0.00073; gnomAD 0.00022 and 0.00031; TOPMed 0.00048; ExAC 0.00091; 1000 Genomes Project 30x 0.00109; 1000 Genomes Project 0.00140.
gnomAD v4.1: 356 of 1,596,176 alleles (0.022%); highest among the groups gnomAD compares: East Asian, 0.6%; no homozygotes.

Submissions (3):

Breakthrough Genomics
Classification: Uncertain significance. Review status: criteria provided, single submitter. Criteria: ACMG Guidelines, 2015. Collection method: not provided. Allele origin: germline. Inheritance: Autosomal recessive inheritance. Affected: yes.

PreventionGenetics, part of Exact Sciences
Classification: Benign for SMO-related condition. Last evaluated: 2024-03-29. Review status: no assertion criteria provided. Collection method: clinical testing. Allele origin: germline. Not counted in ClinVar's aggregate classification.
Comment: This variant is classified as benign based on ACMG/AMP sequence variant interpretation guidelines (Richards et al. 2015 PMID: 25741868, with internal and published modifications).

Department of Pediatrics, Samsung Medical Center, Samsung Medical Center
Classification: Uncertain significance for Microcephaly. Review status: no assertion criteria provided. Criteria: ACMG Guidelines, 2015. Collection method: research. Allele origin: germline. Affected: yes. Not counted in ClinVar's aggregate classification.